The following is an entry in ClinVar:

NM_000168.6(GLI3):c.3325G>T (p.Glu1109Ter)

Gene: GLI3 (GLI family zinc finger 3; minus strand). Cytogenetic location: 7p14.1.
Variant type: single nucleotide variant.
Coding change: c.3325G>T on transcript NM_000168.6 (MANE Select); coding-DNA position 3325, G replaced by T.
Protein change: p.Glu1109Ter; replaces glutamic acid 1109 with a stop codon.
Molecular consequence: nonsense.
Genome position (GRCh38, 1-based): chr7:41,965,748, C>A on the plus strand (G>T on the coding strand, the complement: GLI3 is on the minus strand). VCF-style: chr7-41965748-C-A. GRCh37 (hg19) VCF-style: chr7-42005346-C-A.
Other names: short protein forms E1109*.
Identifiers: ClinVar variation 1320114 (VCV001320114.1), dbSNP rs758667297, ClinGen allele CA367318501.

ClinVar aggregate classification (germline): Pathogenic (1 of 4 stars; one submission).

Conditions:
Pallister-Hall syndrome (PHS). Also called: GLI3-Related Pallister-Hall Syndrome; HYPOTHALAMIC HAMARTOBLASTOMA, HYPOPITUITARISM, IMPERFORATE ANUS, AND POSTAXIAL POLYDACTYLY. Identifiers: Orphanet 672, MedGen C0265220, MONDO:0007804, OMIM 146510.

Submission:

3billion
Classification: Pathogenic for Pallister-Hall syndrome. Last evaluated: 2021-10-02. Review status: criteria provided, single submitter. Criteria: ACMG Guidelines, 2015. Collection method: clinical testing. Allele origin: germline. Affected: yes. Observed: 1 heterozygote.
Comment: Stop-gained (nonsense): predicted to result in a loss or disruption of normal protein function through nonsense-mediated decay (NMD) or protein truncation. Multiple pathogenic variants are reported downstream of the variant (PVS1_VS). The variant was observed as assumed (i.e. paternity and maternity not confirmed) de novoo (3billion dataset, PM6). It is not observed in the gnomAD v2.1.1 dataset (PM2). Therefore, this variant is classified as pathogenic according to the recommendation of ACMG/AMP guideline.